The following is an entry in ClinVar:

ClinVar aggregate classification (germline): Uncertain significance (1 of 4 stars; one submission).

Conditions:
Hepatic veno-occlusive disease-immunodeficiency syndrome. Also called: Hepatic Veno-Occlusive Disease with Immunodeficiency. Identifiers: Orphanet 79124, MedGen C1856128, MONDO:0009338, OMIM 235550. Disease mechanism: loss of function.

gnomAD v4.1: 2 of 1,611,846 alleles (0.00012%); highest among the groups gnomAD compares: South Asian, 0.0011%; no homozygotes.

Submission:

Labcorp Genetics (formerly Invitae), Labcorp
Classification: Uncertain significance for Hepatic veno-occlusive disease-immunodeficiency syndrome. Last evaluated: 2019-12-30. Review status: criteria provided, single submitter. Criteria: Invitae Variant Classification Sherloc (09022015). Collection method: clinical testing. Allele origin: germline.
Comment: In summary, the available evidence is currently insufficient to determine the role of this variant in disease. Therefore, it has been classified as a Variant of Uncertain Significance. Algorithms developed to predict the effect of missense changes on protein structure and function output the following: SIFT: "Tolerated"; PolyPhen-2: "Benign"; Align-GVGD: "Class C0". The glutamic acid amino acid residue is found in multiple mammalian species, suggesting that this missense change does not adversely affect protein function. These predictions have not been confirmed by published functional studies and their clinical significance is uncertain. This variant has not been reported in the literature in individuals with SP110-related conditions. This variant is not present in population databases (ExAC no frequency). This sequence change replaces alanine with glutamic acid at codon 206 of the SP110 protein (p.Ala206Glu). The alanine residue is weakly conserved and there is a moderate physicochemical difference between alanine and glutamic acid.

NM_080424.4(SP110):c.617C>A (p.Ala206Glu)

Genes: SP110 (SP110 nuclear body protein; minus strand), SP140 (SP140 nuclear body protein; plus strand). Cytogenetic location: 2q37.1.
Variant type: single nucleotide variant.
Coding change: c.617C>A on transcript NM_080424.4 (MANE Select); coding-DNA position 617, C replaced by A.
Protein change: p.Ala206Glu; replaces alanine 206 with glutamic acid.
Molecular consequence: missense variant.
Genome position (GRCh38, 1-based): chr2:230,212,397, G>T on the plus strand (C>A on the coding strand, the complement: SP110 is on the minus strand). VCF-style: chr2-230212397-G-T. GRCh37 (hg19) VCF-style: chr2-231077112-G-T.
Other names: c.635C>A, p.Ala212Glu (NM_001185015.2, NM_001378442.1, NM_001378444.1 and 2 more transcripts); c.617C>A, p.Ala206Glu (NM_001378443.1, NM_001378447.1, NM_004509.5 and 1 more transcripts); short protein forms A206E, A212E.
Identifiers: ClinVar variation 859414 (VCV000859414.10), dbSNP rs28930679, ClinGen allele CA350915799.